The following is an entry in ClinVar:

NM_004006.3(DMD):c.5923-212A>G

Gene: DMD (dystrophin; minus strand). Cytogenetic location: Xp21.1.
Variant type: single nucleotide variant.
Coding change: c.5923-212A>G on transcript NM_004006.3 (MANE Select); 212 bases into the intron before coding-DNA position 5923, A replaced by G.
Molecular consequence: intron variant.
Genome position (GRCh38, 1-based): chrX:32,310,488, T>C on the plus strand (A>G on the coding strand, the complement: DMD is on the minus strand). VCF-style: chrX-32310488-T-C. GRCh37 (hg19) VCF-style: chrX-32328605-T-C.
Other names: c.5899-212A>G (NM_000109.4); c.1900-212A>G (NM_004011.4); c.1891-212A>G (NM_004012.4); c.5911-212A>G (NM_004009.3); c.5554-212A>G (NM_004010.3).
Identifiers: ClinVar variation 675667 (VCV000675667.1), dbSNP rs58019410, ClinGen allele CA328532063.

ClinVar aggregate classification (germline): Likely benign (1 of 4 stars; one submission).

Allele frequency attached by ClinVar (database versions not stated): gnomAD 0.01223 and 0.01249; TOPMed 0.01515; 1000 Genomes Project 30x 0.02685; 1000 Genomes Project 0.02834.
gnomAD v4.1: 1,382 of 111,275 alleles (1.2%); highest among the groups gnomAD compares: East Asian, 9.3%; 24 homozygotes.

Submission:

GeneDx
Classification: Likely benign. Last evaluated: 2018-06-16. Review status: criteria provided, single submitter. Criteria: GeneDx Variant Classification (06012015). Collection method: clinical testing. Allele origin: germline. Affected: yes.
Comment: This variant is considered likely benign or benign based on one or more of the following criteria: it is a conservative change, it occurs at a poorly conserved position in the protein, it is predicted to be benign by multiple in silico algorithms, and/or has population frequency not consistent with disease.